The following is an entry in ClinVar:

ClinVar aggregate classification (germline): Uncertain significance (1 of 4 stars; one submission).

Allele frequency attached by ClinVar (database versions not stated): TOPMed below 0.00001.
gnomAD v4.1: 4 of 1,211,074 alleles (0.00033%); highest among the groups gnomAD compares: Non-Finnish European, 0.00041%; no homozygotes.

Submission:

GeneDx
Classification: Uncertain significance. Last evaluated: 2022-09-02. Review status: criteria provided, single submitter. Criteria: GeneDx Variant Classification Process June 2021. Collection method: clinical testing. Allele origin: germline. Affected: yes.
Comment: Not observed at significant frequency in large population cohorts (gnomAD); In silico analysis supports that this missense variant does not alter protein structure/function; Has not been previously published as pathogenic or benign to our knowledge

NM_001916.5(CYC1):c.28G>C (p.Gly10Arg)

Gene: CYC1 (cytochrome c1; plus strand). Cytogenetic location: 8q24.3.
Variant type: single nucleotide variant.
Coding change: c.28G>C on transcript NM_001916.5 (MANE Select); coding-DNA position 28, G replaced by C.
Protein change: p.Gly10Arg; replaces glycine 10 with arginine.
Molecular consequence: missense variant.
Genome position (GRCh38, 1-based): chr8:144,095,127, G>C. VCF-style: chr8-144095127-G-C. GRCh37 (hg19) VCF-style: chr8-145150030-G-C.
Other names: short protein forms G10R.
Identifiers: ClinVar variation 2442475 (VCV002442475.1), dbSNP rs1587602084, ClinGen allele CA372517360.